The following is an entry in ClinVar:

ClinVar aggregate classification (germline): Likely pathogenic (1 of 4 stars; one submission).

Conditions:
Alport syndrome. Also called: Hemorrhagic familial nephritis; Hemorrhagic hereditary nephritis; Congenital hereditary hematuria. Identifiers: Orphanet 63, MedGen C1567741, MONDO:0018965.

gnomAD v4.1: 17 of 1,613,598 alleles (0.0011%); highest among the groups gnomAD compares: Non-Finnish European, 0.0014%; no homozygotes.

Submission:

Natera, Inc.
Classification: Likely pathogenic for Alport syndrome. Last evaluated: 2025-08-26. Review status: criteria provided, single submitter. Criteria: Natera Variant Classification Schema (03/2026). Collection method: clinical testing. Allele origin: germline.
Comment: The c.371G>A variant in COL4A3 is a missense variant predicted to cause substitution of glycine to glutamic acid at amino acid 124. This variant is rare in the general population with a frequency below the threshold expected for the associated phenotype(s). This variant is located in a functionally critical region of the protein. Computational prediction algorithms indicate this variant is likely to affect gene or protein function. Given the available evidence, this variant is classified as Likely Pathogenic.

NM_000091.5(COL4A3):c.371G>A (p.Gly124Glu)

Genes: COL4A3 (collagen type IV alpha 3 chain; plus strand), MFF-DT (MFF divergent transcript; minus strand). Cytogenetic location: 2q36.3.
Variant type: single nucleotide variant.
Coding change: c.371G>A on transcript NM_000091.5 (MANE Select); coding-DNA position 371, G replaced by A.
Protein change: p.Gly124Glu; replaces glycine 124 with glutamic acid.
Molecular consequence: missense variant.
Genome position (GRCh38, 1-based): chr2:227,246,000, G>A. VCF-style: chr2-227246000-G-A. GRCh37 (hg19) VCF-style: chr2-228110716-G-A.
Other names: short protein forms G124E.
Identifiers: ClinVar variation 4817256 (VCV004817256.1).